The following is an entry in ClinVar:

NM_001370466.1(NOD2):c.2975G>T (p.Arg992Leu)

Genes: CYLD-AS1 (CYLD antisense RNA 1; minus strand), NOD2 (nucleotide binding oligomerization domain containing 2; plus strand). Cytogenetic location: 16q12.1.
Variant type: single nucleotide variant.
Coding change: c.2975G>T on transcript NM_001370466.1 (MANE Select); coding-DNA position 2975, G replaced by T.
Protein change: p.Arg992Leu; replaces arginine 992 with leucine.
Molecular consequence: missense variant. On other transcripts: non-coding transcript variant (1).
Genome position (GRCh38, 1-based): chr16:50,731,752, G>T. VCF-style: chr16-50731752-G-T. GRCh37 (hg19) VCF-style: chr16-50765663-G-T.
Other names: c.2975G>T, p.Arg992Leu (NM_001293557.2); c.3056G>T, p.Arg1019Leu (NM_022162.3); short protein forms R992L, R1019L.
Identifiers: ClinVar variation 857275 (VCV000857275.9), dbSNP rs5743295, ClinGen allele CA8052069.
Genomic context (GRCh38, chr16:50,731,752, plus strand): 5'-AGCCCTGCTCTAATTTTGTCCTCACTCAAACCTCTGTTCACTTGATCTGCTTTAGGCTCC[G>T]AGGGAACACTTTCTCTCTAGAGGAGGTTGACAAGCTCGGCTGCAGGGACACCAGACTCTT-3'
Protein context (NP_001357395.1, residues 982-1002): RNDTILEVWL[Arg992Leu]GNTFSLEEVD

ClinVar aggregate classification (germline): Uncertain significance. Review status: criteria provided, single submitter (1 of 4 stars). 2 submissions from 2 submitters: Uncertain significance (1). 1 of the submissions does not count toward it. Last evaluated 2025-12-01.

Conditions:
Blau syndrome (BLAUS). Also called: GRANULOMATOSIS, FAMILIAL JUVENILE SYSTEMIC; GRANULOMATOSIS, FAMILIAL, BLAU TYPE; GRANULOMATOUS INFLAMMATORY ARTHRITIS, DERMATITIS, AND UVEITIS, FAMILIAL; JABS SYNDROME; ARTHROCUTANEOUVEAL GRANULOMATOSIS. Identifiers: Orphanet 90340, MedGen C5201146, MONDO:0008523, OMIM 186580.
Regional enteritis. Also called: Enteritis, Granulomatous. Identifiers: MedGen C0678202, MeSH D003424.
NOD2-related disorder. Also called: NOD2-related condition.

Allele frequency attached by ClinVar (database versions not stated): TOPMed 0.00004.
gnomAD v4.1: 75 of 1,612,514 alleles (0.0047%); highest among the groups gnomAD compares: Middle Eastern, 0.033%; no homozygotes.

Submissions (2):

Labcorp Genetics (formerly Invitae), Labcorp
Classification: Uncertain significance for Regional enteritis; Blau syndrome. Last evaluated: 2025-12-01. Review status: criteria provided, single submitter. Criteria: Invitae Variant Classification Sherloc (09022015). Collection method: clinical testing. Allele origin: germline.
Comment: This sequence change replaces arginine, which is basic and polar, with leucine, which is neutral and non-polar, at codon 1019 of the NOD2 protein (p.Arg1019Leu). This variant is present in population databases (rs5743295, gnomAD 0.02%). This variant has not been reported in the literature in individuals affected with NOD2-related conditions. ClinVar contains an entry for this variant (Variation ID: 857275). Invitae Evidence Modeling of protein sequence and biophysical properties (such as structural, functional, and spatial information, amino acid conservation, physicochemical variation, residue mobility, and thermodynamic stability) has been performed for this missense variant. However, the output from this modeling did not meet the statistical confidence thresholds required to predict the impact of this variant on NOD2 protein function. Algorithms developed to predict the effect of sequence changes on RNA splicing suggest that this variant may disrupt the consensus splice site. In summary, the available evidence is currently insufficient to determine the role of this variant in disease. Therefore, it has been classified as a Variant of Uncertain Significance.

PreventionGenetics, part of Exact Sciences
Classification: Uncertain significance for NOD2-related condition. Last evaluated: 2024-09-27. Review status: no assertion criteria provided. Collection method: clinical testing. Allele origin: germline. Not counted in ClinVar's aggregate classification.
Comment: The NOD2 c.3056G>T variant is predicted to result in the amino acid substitution p.Arg1019Leu. This variant is predicted to alter splicing based on available splicing prediction software (SpliceAI, Jaganathan et al. 2019. PubMed ID: 30661751). However, the use of computer prediction software is not equivalent to functional evidence. This variant has been reported in an individual with symptoms of systemic autoinflammatory disease (Rama et al. 2021. PubMed ID: 32909274). This variant is reported in 0.017% of alleles in individuals of Latino descent in gnomAD. At this time, the clinical significance of this variant is uncertain due to the absence of conclusive functional and genetic evidence.